The following is an entry in ClinVar:

ClinVar aggregate classification (germline): Uncertain significance (1 of 4 stars; one submission).

Allele frequency attached by ClinVar (database versions not stated): TOPMed 0.00001.
gnomAD v4.1: 16 of 1,535,214 alleles (0.001%); highest among the groups gnomAD compares: Non-Finnish European, 0.0014%; no homozygotes.

Submission:

Labcorp Genetics (formerly Invitae), Labcorp
Classification: Uncertain significance. Last evaluated: 2022-04-17. Review status: criteria provided, single submitter. Criteria: Invitae Variant Classification Sherloc (09022015). Collection method: clinical testing. Allele origin: germline.
Comment: This sequence change replaces glycine, which is neutral and non-polar, with aspartic acid, which is acidic and polar, at codon 41 of the SLC9A3 protein (p.Gly41Asp). The frequency data for this variant in the population databases is considered unreliable, as metrics indicate poor data quality at this position in the gnomAD database. This variant has not been reported in the literature in individuals affected with SLC9A3-related conditions. Algorithms developed to predict the effect of missense changes on protein structure and function are either unavailable or do not agree on the potential impact of this missense change (SIFT: "Not Available"; PolyPhen-2: "Benign"; Align-GVGD: "Not Available"). In summary, the available evidence is currently insufficient to determine the role of this variant in disease. Therefore, it has been classified as a Variant of Uncertain Significance.

NM_004174.4(SLC9A3):c.122G>A (p.Gly41Asp)

Gene: SLC9A3 (solute carrier family 9 member A3). Cytogenetic location: 5p15.33.
Variant type: single nucleotide variant.
Coding change: c.122G>A on transcript NM_004174.4 (MANE Select); coding-DNA position 122, G replaced by A.
Protein change: p.Gly41Asp; replaces glycine 41 with aspartic acid.
Molecular consequence: missense variant.
Genome position (GRCh38, 1-based): chr5:524,201, C>T on the plus strand (G>A on the coding strand, the complement: SLC9A3 is on the minus strand). VCF-style: chr5-524201-C-T. GRCh37 (hg19) VCF-style: chr5-524316-C-T.
Other names: c.122G>A, p.Gly41Asp (NM_001284351.3); short protein forms G41D.
Identifiers: ClinVar variation 1464851 (VCV001464851.3), dbSNP rs1372002924, ClinGen allele CA359018341.